The following is an entry in ClinVar:

ClinVar aggregate classification (germline): Uncertain significance (1 of 4 stars; one submission).

Allele frequency attached by ClinVar (database versions not stated): TOPMed below 0.00001; gnomAD 0.00001.
gnomAD v4.1: 1 of 1,614,064 alleles (0.000062%); highest among the groups gnomAD compares: Non-Finnish European, 0.000085%; no homozygotes.

Submission:

Labcorp Genetics (formerly Invitae), Labcorp
Classification: Uncertain significance. Last evaluated: 2023-06-30. Review status: criteria provided, single submitter. Criteria: Invitae Variant Classification Sherloc (09022015). Collection method: clinical testing. Allele origin: germline.
Comment: This sequence change replaces arginine, which is basic and polar, with glycine, which is neutral and non-polar, at codon 2577 of the USH2A protein (p.Arg2577Gly). This variant is present in population databases (no rsID available, gnomAD 0.007%). This variant has not been reported in the literature in individuals affected with USH2A-related conditions. ClinVar contains an entry for this variant (Variation ID: 2093149). Advanced modeling of protein sequence and biophysical properties (such as structural, functional, and spatial information, amino acid conservation, physicochemical variation, residue mobility, and thermodynamic stability) performed at Invitae indicates that this missense variant is not expected to disrupt USH2A protein function. In summary, the available evidence is currently insufficient to determine the role of this variant in disease. Therefore, it has been classified as a Variant of Uncertain Significance.

NM_206933.4(USH2A):c.7729A>G (p.Arg2577Gly)

Gene: USH2A (usherin; minus strand). Cytogenetic location: 1q41.
Variant type: single nucleotide variant.
Coding change: c.7729A>G on transcript NM_206933.4 (MANE Select); coding-DNA position 7729, A replaced by G.
Protein change: p.Arg2577Gly; replaces arginine 2577 with glycine.
Molecular consequence: missense variant.
Genome position (GRCh38, 1-based): chr1:215,888,920, T>C on the plus strand (A>G on the coding strand, the complement: USH2A is on the minus strand). VCF-style: chr1-215888920-T-C. GRCh37 (hg19) VCF-style: chr1-216062262-T-C.
Other names: short protein forms R2577G.
Identifiers: ClinVar variation 2093149 (VCV002093149.4), dbSNP rs1174913071, ClinGen allele CA344840565.